The following is an entry in ClinVar:

NM_014915.3(ANKRD26):c.4785A>T (p.Arg1595Ser)

Gene: ANKRD26 (ankyrin repeat domain 26; minus strand). Cytogenetic location: 10p12.1.
Variant type: single nucleotide variant.
Coding change: c.4785A>T on transcript NM_014915.3 (MANE Select); coding-DNA position 4785, A replaced by T.
Protein change: p.Arg1595Ser; replaces arginine 1595 with serine.
Molecular consequence: missense variant.
Genome position (GRCh38, 1-based): chr10:27,013,050, T>A on the plus strand (A>T on the coding strand, the complement: ANKRD26 is on the minus strand). VCF-style: chr10-27013050-T-A. GRCh37 (hg19) VCF-style: chr10-27301979-T-A.
Other names: c.4782A>T, p.Arg1594Ser (NM_001256053.2); short protein forms R1594S, R1595S.
Identifiers: ClinVar variation 2501527 (VCV002501527.2), dbSNP rs749494441, ClinGen allele CA376354905.

ClinVar aggregate classification (germline): Uncertain significance. Review status: criteria provided, multiple submitters, no conflicts (2 of 4 stars). 2 submissions from 2 submitters: Uncertain significance (2). Last evaluated 2025-12-15.

Conditions:
Inborn genetic diseases. Identifiers: MedGen C0950123, MeSH D030342.

Submissions (2):

Ambry Genetics
Classification: Uncertain significance for Inborn genetic diseases. Last evaluated: 2025-12-15. Review status: criteria provided, single submitter. Criteria: Ambry Variant Classification Scheme 2023. Collection method: clinical testing. Allele origin: germline.
Comment: The p.R1595S variant (also known as c.4785A>T), located in coding exon 32 of the ANKRD26 gene, results from an A to T substitution at nucleotide position 4785. The arginine at codon 1595 is replaced by serine, an amino acid with dissimilar properties. This amino acid position is conserved. In addition, this alteration is predicted to be tolerated by in silico analysis. Based on the available evidence, the clinical significance of this variant remains unclear.

GeneDx
Classification: Uncertain significance. Last evaluated: 2022-11-07. Review status: criteria provided, single submitter. Criteria: GeneDx Variant Classification Process June 2021. Collection method: clinical testing. Allele origin: germline. Affected: yes.
Comment: Not observed at significant frequency in large population cohorts (gnomAD); In silico analysis supports that this missense variant has a deleterious effect on protein structure/function; Has not been previously published as pathogenic or benign to our knowledge